The following is an entry in ClinVar:

ClinVar aggregate classification (germline): Conflicting classifications of pathogenicity. Review status: criteria provided, conflicting classifications (1 of 4 stars). 4 submissions from 4 submitters: Uncertain significance (3); Likely benign (1). Last evaluated 2025-11-27.

Conditions:
Megacystis-microcolon-intestinal hypoperistalsis syndrome 1. Identifiers: MedGen C5542316, MONDO:0100354, OMIM 249210.
Aortic aneurysm, familial thoracic 7 (AAT7). Also called: AORTIC DISSECTION, FAMILIAL, WITH OR WITHOUT AORTIC ANEURYSM. Identifiers: MedGen C3151077, MONDO:0013418, OMIM 613780.
Familial thoracic aortic aneurysm and aortic dissection (TAAD). Also called: Thoracic aortic aneurysms and dissections. Identifiers: Orphanet 91387, MedGen C4707243, MONDO:0019625.

Allele frequency attached by ClinVar (database versions not stated): gnomAD 0.00005 and 0.00008; TOPMed 0.00008.
gnomAD v4.1: 153 of 1,613,774 alleles (0.0095%); highest among the groups gnomAD compares: East Asian, 0.02%; 1 homozygote.

Submissions (4):

Labcorp Genetics (formerly Invitae), Labcorp
Classification: Uncertain significance for Aortic aneurysm, familial thoracic 7. Last evaluated: 2025-11-27. Review status: criteria provided, single submitter. Criteria: Invitae Variant Classification Sherloc (09022015). Collection method: clinical testing. Allele origin: germline.
Comment: This sequence change replaces valine, which is neutral and non-polar, with methionine, which is neutral and non-polar, at codon 1026 of the MYLK protein (p.Val1026Met). This variant is present in population databases (rs778578954, gnomAD 0.02%). This variant has not been reported in the literature in individuals affected with MYLK-related conditions. ClinVar contains an entry for this variant (Variation ID: 519971). Invitae Evidence Modeling of protein sequence and biophysical properties (such as structural, functional, and spatial information, amino acid conservation, physicochemical variation, residue mobility, and thermodynamic stability) indicates that this missense variant is not expected to disrupt MYLK protein function with a negative predictive value of 80%. In summary, the available evidence is currently insufficient to determine the role of this variant in disease. Therefore, it has been classified as a Variant of Uncertain Significance.

GeneDx
Classification: Uncertain significance. Last evaluated: 2025-03-27. Review status: criteria provided, single submitter. Criteria: GeneDx Variant Classification Process June 2021. Collection method: clinical testing. Allele origin: germline. Affected: yes.
Comment: Has not been previously published as pathogenic or benign to our knowledge; In silico analysis indicates that this missense variant does not alter protein structure/function

Fulgent Genetics
Classification: Uncertain significance for Megacystis-microcolon-intestinal hypoperistalsis syndrome 1; Aortic aneurysm, familial thoracic 7. Last evaluated: 2024-05-20. Review status: criteria provided, single submitter. Criteria: ACMG Guidelines, 2015. Collection method: clinical testing. Allele origin: germline.

Ambry Genetics
Classification: Likely benign for Familial thoracic aortic aneurysm and aortic dissection. Last evaluated: 2019-12-27. Review status: criteria provided, single submitter. Criteria: Ambry Variant Classification Scheme 2023. Collection method: clinical testing. Allele origin: germline.

NM_053025.4(MYLK):c.3076G>A (p.Val1026Met)

Gene: MYLK (myosin light chain kinase; minus strand). Cytogenetic location: 3q21.1.
Variant type: single nucleotide variant.
Coding change: c.3076G>A on transcript NM_053025.4 (MANE Select); coding-DNA position 3076, G replaced by A.
Protein change: p.Val1026Met; replaces valine 1026 with methionine.
Molecular consequence: missense variant.
Genome position (GRCh38, 1-based): chr3:123,700,392, C>T on the plus strand (G>A on the coding strand, the complement: MYLK is on the minus strand). VCF-style: chr3-123700392-C-T. GRCh37 (hg19) VCF-style: chr3-123419239-C-T.
Other names: c.2548G>A, p.Val850Met (NM_001321309.2); c.2869G>A, p.Val957Met (NM_053026.4, NM_053028.4); c.3076G>A, p.Val1026Met (NM_053027.4); short protein forms V1026M, V850M, V957M.
Identifiers: ClinVar variation 519971 (VCV000519971.19), dbSNP rs778578954, ClinGen allele CA069297.